The following is an entry in ClinVar:

ClinVar aggregate classification (germline): Likely pathogenic (1 of 4 stars; one submission).

Conditions:
Leber congenital amaurosis 4 (LCA4). Identifiers: MedGen C1858386, MONDO:0011458, OMIM 604393.

Submission:

3billion
Classification: Likely pathogenic for Leber congenital amaurosis 4. Last evaluated: 2022-05-22. Review status: criteria provided, single submitter. Criteria: ACMG Guidelines, 2015. Collection method: clinical testing. Allele origin: germline. Affected: yes. Observed: 1 homozygote.
Comment: The variant is not observed in the gnomAD v2.1.1 dataset. Frameshift: predicted to result in a loss or disruption of normal protein function through protein truncation. The predicted truncated protein may be shortened by more than 10%. Therefore, this variant is classified as likely pathogenic according to the recommendation of ACMG/AMP guideline.

NM_014336.5(AIPL1):c.814del (p.Arg272fs)

Gene: AIPL1 (AIP like 1 HSP90 co-chaperone; minus strand). Cytogenetic location: 17p13.2.
Variant type: Deletion.
Coding change: c.814del on transcript NM_014336.5 (MANE Select); coding-DNA position 814, one base deleted (C; older notation c.814delC).
Protein change: p.Arg272fs; shifts the reading frame from arginine 272.
Molecular consequence: frameshift variant. On other transcripts: 3 prime UTR variant (1).
Genome position (GRCh38, 1-based): chr17:6,425,801, G deleted on the plus strand (C on the coding strand, the reverse complement: AIPL1 is on the minus strand); the first of 3 consecutive G bases (chr17:6,425,801-6,425,803); deleting any one gives the same sequence. VCF-style (leftmost placement, unchanged base first): chr17-6425800-CG-C. GRCh37 (hg19) VCF-style: chr17-6329120-CG-C.
Other names: c.625del, p.Arg209fs (NM_001033054.3); c.634del, p.Arg212fs (NM_001033055.3); c.778del, p.Arg260fs (NM_001285399.3); c.748del, p.Arg250fs (NM_001285400.3); c.742del, p.Arg248fs (NM_001285401.3); c.697del, p.Arg233fs (NM_001285402.2); c.*785del (NM_001285403.4); short protein forms R209fs, R212fs, R233fs, R248fs, R250fs, R260fs, R272fs.
Identifiers: ClinVar variation 1687296 (VCV001687296.1), dbSNP rs2150675032, ClinGen allele CA2573154471.